The following is an entry in ClinVar:

ClinVar aggregate classification (germline): Uncertain significance (1 of 4 stars; one submission).

Conditions:
SYT1-associated neurodevelopmental disorder.

Submission:

Illumina Laboratory Services, Illumina
Classification: Uncertain significance for SYT1-associated neurodevelopmental disorder. Last evaluated: 2019-01-16. Review status: criteria provided, single submitter. Criteria: ICSLVariantClassificationCriteria RUGD 01 April 2020. Collection method: clinical testing. Allele origin: unknown.
Comment: The SYT1 c.224G>T (p.Cys75Phe) variant is a missense variant. A literature search was performed for the gene, cDNA change, and amino acid change. No publications were found based on this search. This variant is not found in the Genome Aggregation Database in a region of good sequence coverage so the variant is presumed to be rare. Based on the limited evidence, the p.Cys75Phe variant is classified as a variant of uncertain significance for SYT1-associated neurodevelopmental disorders.

NM_005639.3(SYT1):c.224G>T (p.Cys75Phe)

Gene: SYT1 (synaptotagmin 1; plus strand). Cytogenetic location: 12q21.2.
Variant type: single nucleotide variant.
Coding change: c.224G>T on transcript NM_005639.3 (MANE Select); coding-DNA position 224, G replaced by T.
Protein change: p.Cys75Phe; replaces cysteine 75 with phenylalanine.
Molecular consequence: missense variant.
Genome position (GRCh38, 1-based): chr12:79,285,844, G>T. VCF-style: chr12-79285844-G-T. GRCh37 (hg19) VCF-style: chr12-79679624-G-T.
Other names: c.224G>T, p.Cys75Phe (NM_001135805.2, NM_001135806.2, NM_001291901.2); short protein forms C75F.
Identifiers: ClinVar variation 989298 (VCV000989298.4), dbSNP rs1879285348, ClinGen allele CA385928749.
Genomic context (GRCh38, chr12:79,285,844, plus strand): 5'-CAGTGCCACCGTGGGCCTTAATTGCAATAGCCATAGTCGCAGTCCTTTTAGTCCTGACCT[G>T]CTGCTTTTGTATCTGTAAGAAATGTTTGTTCAAAAAGAAAAACAAGAAGAAGGGAAAGGA-3'
Protein context (NP_005630.1, residues 65-85): AIVAVLLVLT[Cys75Phe]CFCICKKCLF